The following is an entry in ClinVar:

NM_005529.7(HSPG2):c.5746G>A (p.Gly1916Ser)

Gene: HSPG2 (heparan sulfate proteoglycan 2; minus strand). Cytogenetic location: 1p36.12.
Variant type: single nucleotide variant.
Coding change: c.5746G>A on transcript NM_005529.7 (MANE Select); coding-DNA position 5746, G replaced by A.
Protein change: p.Gly1916Ser; replaces glycine 1916 with serine.
Molecular consequence: missense variant.
Genome position (GRCh38, 1-based): chr1:21,855,631, C>T on the plus strand (G>A on the coding strand, the complement: HSPG2 is on the minus strand). VCF-style: chr1-21855631-C-T. GRCh37 (hg19) VCF-style: chr1-22182124-C-T.
Other names: c.5749G>A, p.Gly1917Ser (NM_001291860.2); short protein forms G1916S, G1917S.
Identifiers: ClinVar variation 2432579 (VCV002432579.4), dbSNP rs200826897, ClinGen allele CA671796.

ClinVar aggregate classification (germline): Uncertain significance. Review status: criteria provided, multiple submitters, no conflicts (2 of 4 stars). 2 submissions from 2 submitters: Uncertain significance (2). Last evaluated 2024-07-31.

Allele frequency attached by ClinVar (database versions not stated): TOPMed 0.00006; ExAC 0.00008; ESP Exome Variant Server 0.00015; gnomAD exomes 0.00002; gnomAD 0.00005.

Submissions (2):

GeneDx
Classification: Uncertain significance. Last evaluated: 2024-07-31. Review status: criteria provided, single submitter. Criteria: GeneDx Variant Classification Process June 2021. Collection method: clinical testing. Allele origin: germline. Affected: yes.
Comment: In silico analysis supports that this missense variant has a deleterious effect on protein structure/function; Has not been previously published as pathogenic or benign to our knowledge

Revvity Omics, Revvity
Classification: Uncertain significance. Last evaluated: 2020-02-13. Review status: criteria provided, single submitter. Criteria: ACMG Guidelines, 2015. Collection method: clinical testing. Allele origin: germline.